The following is an entry in ClinVar:

NM_000136.3(FANCC):c.165G>T (p.Met55Ile)

Gene: FANCC (FA complementation group C; minus strand). Cytogenetic location: 9q22.32.
Variant type: single nucleotide variant.
Coding change: c.165G>T on transcript NM_000136.3 (MANE Select); coding-DNA position 165, G replaced by T.
Protein change: p.Met55Ile; replaces methionine 55 with isoleucine.
Molecular consequence: missense variant.
Genome position (GRCh38, 1-based): chr9:95,249,127, C>A on the plus strand (G>T on the coding strand, the complement: FANCC is on the minus strand). VCF-style: chr9-95249127-C-A. GRCh37 (hg19) VCF-style: chr9-98011409-C-A.
Other names: c.165G>T, p.Met55Ile (NM_001243743.2, NM_001243744.2); short protein forms M55I.
Identifiers: ClinVar variation 3335891 (VCV003335891.2).
Genomic context (GRCh38, chr9:95,249,127, plus strand): 5'-GAAATCTGGTAGAGTCCCTGAAGTCAGAAAATAATTTCATTATTCTGGTCCACTACTTAC[C>A]ATCTCTTTCAAGGCTTCATACATCTTCCTTAGGAACTCCTGGAACTGAGCCACGTGAAGA-3'
Protein context (NP_000127.2, residues 45-65): LRKMYEALKE[Met55Ile]DSNTVIERFP

ClinVar aggregate classification (germline): Uncertain significance (1 of 4 stars; one submission).

Conditions:
Fanconi anemia complementation group C (FANCC). Also called: FANCONI PANCYTOPENIA, TYPE 3; FACC; FANCC-Related Fanconi Anemia; Fanconi anemia, group C. Identifiers: Orphanet 84, MedGen C3468041, MONDO:0009213, OMIM 227645.

Submission:

Human Genetics Section, Sidra Medicine
Classification: Uncertain significance for Fanconi anemia complementation group C. Review status: criteria provided, single submitter. Criteria: ACMG Guidelines, 2015. Collection method: research. Allele origin: germline. Affected: yes.
Comment: Franklin and VarSome were utilized as supplementary tools to predict the pathogenicity of the identified variant. We are currently preparing the publication detailing these findings, and the PubMed ID (PMID) will be provided upon its release.